The following is an entry in ClinVar:

ClinVar aggregate classification (germline): Conflicting classifications of pathogenicity. Review status: criteria provided, conflicting classifications (1 of 4 stars). 3 submissions from 3 submitters: Uncertain significance (1); Likely benign (2). Last evaluated 2024-12-16.

Conditions:
Bohring-Opitz syndrome. Also called: C-LIKE SYNDROME; BOHRING SYNDROME; OPITZ TRIGONOCEPHALY-LIKE SYNDROME; ASXL1-Related Bohring-Opitz Syndrome. Identifiers: Orphanet 97297, MedGen C0796232, MONDO:0011510, OMIM 605039.
Inborn genetic diseases. Identifiers: MedGen C0950123, MeSH D030342.

gnomAD v4.1: 16 of 1,607,548 alleles (0.001%); highest among the groups gnomAD compares: Admixed American, 0.0017%; no homozygotes.

Submissions (3):

Ambry Genetics
Classification: Likely benign for Inborn genetic diseases. Last evaluated: 2024-12-16. Review status: criteria provided, single submitter. Criteria: Ambry Variant Classification Scheme 2023. Collection method: clinical testing. Allele origin: germline.

Diagnostics Services (NGS), CSIR - Centre For Cellular And Molecular Biology
Classification: Uncertain significance for Bohring-Opitz syndrome. Last evaluated: 2022-02-09. Review status: criteria provided, single submitter. Criteria: ACMG Guidelines, 2015. Collection method: clinical testing. Allele origin: unknown. Inheritance: Autosomal dominant inheritance. Affected: yes. Observed: 1 variant allele, 1 heterozygote.
Comment: The c.1928G>C variant is not present in publicly available population databases like 1000 Genomes, EVS and Indian Exome Database. The heterozygous state of the variant is present in ExAC, gnomAD and dbSNP, at a very low frequency. The variant is not present in our in-house exome database. The variant was not previously reported to ClinVar, HGMD and/or OMIM databases, in any affected individuals. In-silico pathogenicity prediction programs like PolyPhen-2, MutationTaster2, CADD etc. predicted this variant to be likely deleterious, however these predictions were not confirmed by any published functional studies.

Labcorp Genetics (formerly Invitae), Labcorp
Classification: Likely benign. Last evaluated: 2022-02-03. Review status: criteria provided, single submitter. Criteria: Invitae Variant Classification Sherloc (09022015). Collection method: clinical testing. Allele origin: germline.

NM_015338.6(ASXL1):c.1928G>C (p.Gly643Ala)

Gene: ASXL1 (ASXL transcriptional regulator 1; plus strand). Cytogenetic location: 20q11.21.
Variant type: single nucleotide variant.
Coding change: c.1928G>C on transcript NM_015338.6 (MANE Select); coding-DNA position 1928, G replaced by C.
Protein change: p.Gly643Ala; replaces glycine 643 with alanine.
Molecular consequence: missense variant.
Genome position (GRCh38, 1-based): chr20:32,434,640, G>C. VCF-style: chr20-32434640-G-C. GRCh37 (hg19) VCF-style: chr20-31022443-G-C.
Other names: c.1928G>C (NM_015338.5); c.1745G>C, p.Gly582Ala (NM_001363734.1); short protein forms G582A, G643A.
Identifiers: ClinVar variation 1553310 (VCV001553310.12), dbSNP rs201649676, ClinGen allele CA9808497.
Genomic context (GRCh38, chr20:32,434,640, plus strand): 5'-AGGTCCGAGGGGCGAGAGGTCACCACTGCCATAGAGAGGCGGCCACCACTGCCATCGGAG[G>C]GGGGGGTGGCCCGGGTGGAGGTGGCGGCGGGGCCACCGATGAGGGAGGTGGCAGAGGCAG-3'
Protein context (NP_056153.2, residues 633-653): HREAATTAIG[Gly643Ala]GGGPGGGGGG